The following is an entry in ClinVar:

NM_001035.3(RYR2):c.3029A>T (p.Asp1010Val)

Gene: RYR2 (ryanodine receptor 2; plus strand). Cytogenetic location: 1q43.
Variant type: single nucleotide variant.
Coding change: c.3029A>T on transcript NM_001035.3 (MANE Select); coding-DNA position 3029, A replaced by T.
Protein change: p.Asp1010Val; replaces aspartic acid 1010 with valine.
Molecular consequence: missense variant.
Genome position (GRCh38, 1-based): chr1:237,548,553, A>T. VCF-style: chr1-237548553-A-T. GRCh37 (hg19) VCF-style: chr1-237711853-A-T.
Other names: short protein forms D1010V.
Identifiers: ClinVar variation 2172760 (VCV002172760.4), dbSNP rs1670058857, ClinGen allele CA345393679.

ClinVar aggregate classification (germline): Uncertain significance (1 of 4 stars; one submission).

Conditions:
Catecholaminergic polymorphic ventricular tachycardia 1. Also called: VENTRICULAR TACHYCARDIA, STRESS-INDUCED POLYMORPHIC 1; VENTRICULAR TACHYCARDIA, CATECHOLAMINERGIC POLYMORPHIC, 1, WITH OR WITHOUT ATRIAL DYSFUNCTION AND/OR DILATED CARDIOMYOPATHY; RYR2-Related Catecholaminergic Polymorphic Ventricular Tachycardia. Identifiers: Orphanet 3286, MedGen C1631597, MONDO:0011484, OMIM 604772.

Allele frequency attached by ClinVar (database versions not stated): gnomAD exomes below 0.00001; TOPMed below 0.00001.
gnomAD v4.1: 1 of 1,614,004 alleles (0.000062%); highest among the groups gnomAD compares: Non-Finnish European, 0.000085%; no homozygotes.

Submission:

Labcorp Genetics (formerly Invitae), Labcorp
Classification: Uncertain significance for Catecholaminergic polymorphic ventricular tachycardia 1. Last evaluated: 2022-08-10. Review status: criteria provided, single submitter. Criteria: Invitae Variant Classification Sherloc (09022015). Collection method: clinical testing. Allele origin: germline.
Comment: In summary, the available evidence is currently insufficient to determine the role of this variant in disease. Therefore, it has been classified as a Variant of Uncertain Significance. Advanced modeling of protein sequence and biophysical properties (such as structural, functional, and spatial information, amino acid conservation, physicochemical variation, residue mobility, and thermodynamic stability) performed at Invitae indicates that this missense variant is expected to disrupt RYR2 protein function. This variant has not been reported in the literature in individuals affected with RYR2-related conditions. This variant is not present in population databases (gnomAD no frequency). This sequence change replaces aspartic acid, which is acidic and polar, with valine, which is neutral and non-polar, at codon 1010 of the RYR2 protein (p.Asp1010Val).